The following is an entry in ClinVar:

NM_001206631.1(TRIM64C):c.75G>A (p.Pro25=)

Gene: TRIM64C (tripartite motif containing 64C; minus strand). Cytogenetic location: 11p11.12.
Variant type: single nucleotide variant.
Coding change: c.75G>A on transcript NM_001206631.1 (MANE Select); coding-DNA position 75, G replaced by A.
Protein change: p.Pro25=; no amino-acid change (proline 25 retained).
Molecular consequence: synonymous variant.
Genome position (GRCh38, 1-based): chr11:49,059,038, C>T on the plus strand (G>A on the coding strand, the complement: TRIM64C is on the minus strand). VCF-style: chr11-49059038-C-T. GRCh37 (hg19) VCF-style: chr11-49080590-C-T.
Identifiers: ClinVar variation 2641779 (VCV002641779.24), dbSNP rs528032743, ClinGen allele CA5986487.
Genomic context (GRCh38, chr11:49,059,038, plus strand): 5'-TTCTTCTGAGCAGAGGCAGAGGCAGGGCCTGCAAAAGCTGTGCACACAGTCAGTGGTGAC[C>T]GGGTCTATGAAGTAGTTCACGCAAATGCAGCAAATGAGCTCATTCTGGAAGACTCGCAGG-3'
Protein context (NP_001193560.1, residues 15-35): CCICVNYFID[Pro25=]VTTDCVHSFC

ClinVar aggregate classification (germline): Likely benign (1 of 4 stars; one submission).

Allele frequency attached by ClinVar (database versions not stated): TOPMed 0.00006; gnomAD 0.00010; 1000 Genomes Project 0.00020; ExAC 0.00068.
gnomAD v4.1: 236 of 1,552,338 alleles (0.015%); highest among the groups gnomAD compares: South Asian, 0.24%; 3 homozygotes.

Submission:

CeGaT Center for Human Genetics Tuebingen
Classification: Likely benign. Last evaluated: 2022-06-01. Review status: criteria provided, single submitter. Criteria: CeGaT Center For Human Genetics Tuebingen Variant Classification Criteria Version 2. Collection method: clinical testing. Allele origin: germline. Affected: yes. Observed: 1 variant allele.
Comment: TRIM64C: BP4, BP7